The following is an entry in ClinVar:

ClinVar aggregate classification (germline): Likely pathogenic (1 of 4 stars; one submission).

Conditions:
Primary ciliary dyskinesia. Also called: Ciliary dyskinesia. Identifiers: Orphanet 244, MedGen C0008780, MONDO:0016575, HP:0012265.

Submission:

Labcorp Genetics (formerly Invitae), Labcorp
Classification: Likely pathogenic for Primary ciliary dyskinesia. Last evaluated: 2019-09-23. Review status: criteria provided, single submitter. Criteria: Invitae Variant Classification Sherloc (09022015). Collection method: clinical testing. Allele origin: germline.
Comment: This sequence change falls in intron 12 of the CCDC39 gene. It does not directly change the encoded amino acid sequence of the CCDC39 protein. This variant is not present in population databases (ExAC no frequency). This variant has been observed to segregate with primary ciliary dyskinesia in a family (Invitae). Algorithms developed to predict the effect of sequence changes on RNA splicing suggest that this variant may disrupt the consensus splice site, but this prediction has not been confirmed by published transcriptional studies. In summary, the currently available evidence indicates that the variant is pathogenic, but additional data are needed to prove that conclusively. Therefore, this variant has been classified as Likely Pathogenic.

NM_181426.2(CCDC39):c.1666-9C>G

Gene: CCDC39 (coiled-coil domain 39 molecular ruler complex subunit; minus strand). Cytogenetic location: 3q26.33.
Variant type: single nucleotide variant.
Coding change: c.1666-9C>G on transcript NM_181426.2 (MANE Select); 9 bases into the intron before coding-DNA position 1666, C replaced by G.
Molecular consequence: intron variant.
Genome position (GRCh38, 1-based): chr3:180,642,210, G>C on the plus strand (C>G on the coding strand, the complement: CCDC39 is on the minus strand). VCF-style: chr3-180642210-G-C. GRCh37 (hg19) VCF-style: chr3-180359998-G-C.
Identifiers: ClinVar variation 946945 (VCV000946945.1), dbSNP rs1717971093, ClinGen allele CA1139655831.